The following is an entry in ClinVar:

NM_014861.4(ATP2C2):c.1210-10C>T

Gene: ATP2C2 (ATPase secretory pathway Ca2+ transporting 2; plus strand). Cytogenetic location: 16q24.1.
Variant type: single nucleotide variant.
Coding change: c.1210-10C>T on transcript NM_014861.4 (MANE Select); 10 bases into the intron before coding-DNA position 1210, C replaced by T.
Molecular consequence: intron variant.
Genome position (GRCh38, 1-based): chr16:84,440,847, C>T. VCF-style: chr16-84440847-C-T. GRCh37 (hg19) VCF-style: chr16-84474453-C-T.
Other names: c.1210-10C>T (NM_001286527.3); c.757-10C>T (NM_001291454.2).
Identifiers: ClinVar variation 3043440 (VCV003043440.2), dbSNP rs747338600, ClinGen allele CA8207246.

ClinVar aggregate classification (germline): Likely benign (0 of 4 stars; one submission).

Conditions:
ATP2C2-related disorder. Also called: ATP2C2-related condition.

Allele frequency attached by ClinVar (database versions not stated): TOPMed below 0.00001; ExAC 0.00001; gnomAD 0.00001.
gnomAD v4.1: 7 of 1,606,524 alleles (0.00044%); highest among the groups gnomAD compares: East Asian, 0.0022%; no homozygotes.

Submission:

PreventionGenetics, part of Exact Sciences
Classification: Likely benign for ATP2C2-related condition. Last evaluated: 2019-06-24. Review status: no assertion criteria provided. Collection method: clinical testing. Allele origin: germline.
Comment: This variant is classified as likely benign based on ACMG/AMP sequence variant interpretation guidelines (Richards et al. 2015 PMID: 25741868, with internal and published modifications).